The following is an entry in ClinVar:

ClinVar aggregate classification (germline): Uncertain significance (1 of 4 stars; one submission).

Allele frequency attached by ClinVar (database versions not stated): gnomAD exomes below 0.00001.
gnomAD v4.1: 1 of 1,613,782 alleles (0.000062%); highest among the groups gnomAD compares: South Asian, 0.0011%; no homozygotes.

Submission:

Labcorp Genetics (formerly Invitae), Labcorp
Classification: Uncertain significance. Last evaluated: 2023-11-19. Review status: criteria provided, single submitter. Criteria: Invitae Variant Classification Sherloc (09022015). Collection method: clinical testing. Allele origin: germline.
Comment: This sequence change replaces lysine, which is basic and polar, with arginine, which is basic and polar, at codon 593 of the LBR protein (p.Lys593Arg). This variant is not present in population databases (gnomAD no frequency). This variant has not been reported in the literature in individuals affected with LBR-related conditions. Advanced modeling of protein sequence and biophysical properties (such as structural, functional, and spatial information, amino acid conservation, physicochemical variation, residue mobility, and thermodynamic stability) performed at Invitae indicates that this missense variant is not expected to disrupt LBR protein function with a negative predictive value of 80%. In summary, the available evidence is currently insufficient to determine the role of this variant in disease. Therefore, it has been classified as a Variant of Uncertain Significance.

NM_002296.4(LBR):c.1778A>G (p.Lys593Arg)

Gene: LBR (lamin B receptor; minus strand). Cytogenetic location: 1q42.12.
Variant type: single nucleotide variant.
Coding change: c.1778A>G on transcript NM_002296.4 (MANE Select); coding-DNA position 1778, A replaced by G.
Protein change: p.Lys593Arg; replaces lysine 593 with arginine.
Molecular consequence: missense variant.
Genome position (GRCh38, 1-based): chr1:225,403,373, T>C on the plus strand (A>G on the coding strand, the complement: LBR is on the minus strand). VCF-style: chr1-225403373-T-C. GRCh37 (hg19) VCF-style: chr1-225591075-T-C.
Other names: c.1778A>G, p.Lys593Arg (NM_194442.3); short protein forms K593R.
Identifiers: ClinVar variation 2697518 (VCV002697518.3), dbSNP rs2527767306, ClinGen allele CA344992543.